The following is an entry in ClinVar:

ClinVar aggregate classification (germline): Uncertain significance (1 of 4 stars; one submission).

Conditions:
Hereditary spastic paraplegia 7 (SPG7). Also called: SPASTIC PARAPLEGIA 7, AUTOSOMAL RECESSIVE, WITH OR WITHOUT CEREBELLAR ATAXIA; SPG7-related neurologic disorder; Spastic paraplegia 7; Hereditary spastic paraplegia Paraplegin type; Autosomal recessive spastic paraplegia type 7. Identifiers: Orphanet 99013, MedGen C1846564, MONDO:0011803, OMIM 607259.

Submission:

Labcorp Genetics (formerly Invitae), Labcorp
Classification: Uncertain significance for Hereditary spastic paraplegia 7. Last evaluated: 2025-09-26. Review status: criteria provided, single submitter. Criteria: Invitae Variant Classification Sherloc (09022015). Collection method: clinical testing. Allele origin: germline.
Comment: This sequence change falls in intron 11 of the SPG7 gene. It does not directly change the encoded amino acid sequence of the SPG7 protein. It affects a nucleotide within the consensus splice site. This variant is not present in population databases (gnomAD no frequency). This variant has not been reported in the literature in individuals affected with SPG7-related conditions. Variants that disrupt the consensus splice site are a relatively common cause of aberrant splicing (PMID: 17576681, 9536098). Algorithms developed to predict the effect of sequence changes on RNA splicing suggest that this variant may disrupt the consensus splice site. In summary, the available evidence is currently insufficient to determine the role of this variant in disease. Therefore, it has been classified as a Variant of Uncertain Significance.

Literature cited by the submitters: PubMed 17576681; PubMed 9536098.

NM_003119.4(SPG7):c.1553-3C>G

Gene: SPG7 (SPG7 matrix AAA peptidase subunit, paraplegin; plus strand). Cytogenetic location: 16q24.3.
Variant type: single nucleotide variant.
Coding change: c.1553-3C>G on transcript NM_003119.4 (MANE Select); 3 bases into the intron before coding-DNA position 1553, C replaced by G.
Molecular consequence: intron variant.
Genome position (GRCh38, 1-based): chr16:89,548,000, C>G. VCF-style: chr16-89548000-C-G. GRCh37 (hg19) VCF-style: chr16-89614408-C-G.
Other names: c.1553-3C>G (NM_001363850.1).
Identifiers: ClinVar variation 4745101 (VCV004745101.1).